The following is an entry in ClinVar:

ClinVar aggregate classification (germline): Uncertain significance (1 of 4 stars; one submission).

Conditions:
Kabuki syndrome. Also called: NIIKAWA-KUROKI SYNDROME; Kabuki make-up syndrome. Identifiers: Orphanet 2322, MedGen C0796004, MONDO:0016512.

gnomAD v4.1: 1 of 1,613,922 alleles (0.000062%); highest among the groups gnomAD compares: Non-Finnish European, 0.000085%; no homozygotes.

Submission:

Labcorp Genetics (formerly Invitae), Labcorp
Classification: Uncertain significance for Kabuki syndrome. Last evaluated: 2025-07-24. Review status: criteria provided, single submitter. Criteria: Invitae Variant Classification Sherloc (09022015). Collection method: clinical testing. Allele origin: germline.
Comment: This sequence change replaces serine, which is neutral and polar, with asparagine, which is neutral and polar, at codon 5103 of the KMT2D protein (p.Ser5103Asn). This variant is not present in population databases (gnomAD no frequency). This variant has not been reported in the literature in individuals affected with KMT2D-related conditions. Invitae Evidence Modeling of protein sequence and biophysical properties (such as structural, functional, and spatial information, amino acid conservation, physicochemical variation, residue mobility, and thermodynamic stability) indicates that this missense variant is not expected to disrupt KMT2D protein function with a negative predictive value of 95%. In summary, the available evidence is currently insufficient to determine the role of this variant in disease. Therefore, it has been classified as a Variant of Uncertain Significance.

NM_003482.4(KMT2D):c.15308G>A (p.Ser5103Asn)

Gene: KMT2D (lysine methyltransferase 2D; minus strand). Cytogenetic location: 12q13.12.
Variant type: single nucleotide variant.
Coding change: c.15308G>A on transcript NM_003482.4 (MANE Select); coding-DNA position 15308, G replaced by A.
Protein change: p.Ser5103Asn; replaces serine 5103 with asparagine.
Molecular consequence: missense variant.
Genome position (GRCh38, 1-based): chr12:49,026,658, C>T on the plus strand (G>A on the coding strand, the complement: KMT2D is on the minus strand). VCF-style: chr12-49026658-C-T. GRCh37 (hg19) VCF-style: chr12-49420441-C-T.
Other names: short protein forms S5103N.
Identifiers: ClinVar variation 4748664 (VCV004748664.1).